The following is an entry in ClinVar:

NC_000019.10:g.17281800C>A

Genes: ANKLE1 (ankyrin repeat and LEM domain containing 1; plus strand), LOC130063921 (ATAC-STARR-seq lymphoblastoid silent region 10333; plus strand). Cytogenetic location: 19p13.11.
Variant type: single nucleotide variant.
Genome position: GRCh38 VCF-style: chr19-17281800-C-A. GRCh37 (hg19) VCF-style: chr19-17392609-C-A.
Identifiers: ClinVar variation 4823356 (VCV004823356.4).

ClinVar aggregate classification (germline): Likely benign (1 of 4 stars; one submission).

Submission:

CeGaT Center for Human Genetics Tuebingen
Classification: Likely benign. Last evaluated: 2026-02-01. Review status: criteria provided, single submitter. Criteria: CeGaT Center For Human Genetics Tuebingen Variant Classification Criteria Version 2. Collection method: clinical testing. Allele origin: germline. Affected: yes. Observed: 1 variant allele.
Comment: ANKLE1: PM2:Supporting, BP4, BP7